The following is an entry in ClinVar:

ClinVar aggregate classification (germline): Benign/Likely benign. Review status: criteria provided, multiple submitters, no conflicts (2 of 4 stars). 9 submissions from 9 submitters: Benign (1); Likely benign (8). Last evaluated 2025-06-27.

Conditions:
Hereditary nonpolyposis colorectal neoplasms. Identifiers: MedGen C0009405, MeSH D003123.
Hereditary cancer-predisposing syndrome. Also called: Hereditary Cancer Syndrome; Hereditary neoplastic syndrome; Neoplastic Syndromes, Hereditary; Tumor predisposition. Identifiers: Orphanet 140162, MedGen C0027672, MeSH D009386, MONDO:0015356.
Lynch syndrome. Identifiers: Orphanet 144, MedGen C4552100, MONDO:0005835. Disease mechanism: loss of function.
Lynch syndrome 5 (LYNCH5). Also called: Hereditary non-polyposis colorectal cancer, type 5; Colorectal cancer, hereditary nonpolyposis, type 5. Identifiers: Orphanet 144, MedGen C1833477, MONDO:0013710, OMIM 614350. Disease mechanism: loss of function.

Allele frequency attached by ClinVar (database versions not stated): gnomAD exomes below 0.00001 and 0.00001; TOPMed below 0.00001; ExAC 0.00001; gnomAD 0.00001; 1000 Genomes Project 30x 0.00016; 1000 Genomes Project 0.00020.
gnomAD v4.1: 2 of 1,614,074 alleles (0.00012%); highest among the groups gnomAD compares: Admixed American, 0.0033%; no homozygotes.

Submissions (9):

Labcorp Genetics (formerly Invitae), Labcorp
Classification: Likely benign for Hereditary nonpolyposis colorectal neoplasms. Last evaluated: 2025-06-27. Review status: criteria provided, single submitter. Criteria: Invitae Variant Classification Sherloc (09022015). Collection method: clinical testing. Allele origin: germline.

Myriad Genetics, Inc.
Classification: Benign for Lynch syndrome 5. Last evaluated: 2024-12-31. Review status: criteria provided, single submitter. Criteria: Myriad Autosomal Dominant, Autosomal Recessive and X-Linked Classification Criteria (2023). Collection method: clinical testing. Allele origin: unknown.
Comment: This variant is considered benign. This variant is a silent/synonymous amino acid change and it is not expected to impact splicing.

Women's Health and Genetics/Laboratory Corporation of America, LabCorp
Classification: Likely benign. Last evaluated: 2024-07-25. Review status: criteria provided, single submitter. Criteria: LabCorp Variant Classification Summary - May 2015. Collection method: clinical testing. Allele origin: germline.

All of Us Research Program, National Institutes of Health
Classification: Likely benign for Lynch syndrome. Last evaluated: 2023-12-18. Review status: criteria provided, single submitter. Criteria: ACMG Guidelines, 2015. Collection method: clinical testing. Allele origin: germline. Inheritance: Autosomal dominant inheritance. Observed: 1 variant allele, 1 heterozygote.
Comment: This study involves interpretation of variants in research participants for the purpose of population health screening. Participant phenotype was not available at the time of variant classification. Additional details can be found in publication PMID: 35346344, PMCID: PMC8962531

Sema4
Classification: Likely benign for Hereditary cancer-predisposing syndrome. Last evaluated: 2021-04-23. Review status: criteria provided, single submitter. Criteria: Sema4 Curation Guidelines. Collection method: curation. Allele origin: germline.

Color Diagnostics, LLC DBA Color Health
Classification: Likely benign for Hereditary cancer-predisposing syndrome. Last evaluated: 2019-04-22. Review status: criteria provided, single submitter. Criteria: ACMG Guidelines, 2015. Collection method: clinical testing. Allele origin: germline.

GeneDx
Classification: Likely benign. Last evaluated: 2019-04-02. Review status: criteria provided, single submitter. Criteria: GeneDx Variant Classification Process June 2021. Collection method: clinical testing. Allele origin: germline. Affected: yes.

Ambry Genetics
Classification: Likely benign for Hereditary cancer-predisposing syndrome. Last evaluated: 2018-04-16. Review status: criteria provided, single submitter. Criteria: Ambry Variant Classification Scheme 2023. Collection method: clinical testing. Allele origin: germline.

PreventionGenetics, part of Exact Sciences
Classification: Likely benign. Last evaluated: 2018-01-10. Review status: criteria provided, single submitter. Criteria: ACMG Guidelines, 2015. Collection method: clinical testing. Allele origin: germline.

NM_000179.3(MSH6):c.2412A>G (p.Lys804=)

Gene: MSH6 (mutS homolog 6; plus strand). Cytogenetic location: 2p16.3.
Variant type: single nucleotide variant.
Coding change: c.2412A>G on transcript NM_000179.3 (MANE Select); coding-DNA position 2412, A replaced by G.
Protein change: p.Lys804=; no amino-acid change (lysine 804 retained).
Molecular consequence: synonymous variant.
Genome position (GRCh38, 1-based): chr2:47,800,395, A>G. VCF-style: chr2-47800395-A-G. GRCh37 (hg19) VCF-style: chr2-48027534-A-G.
Other names: c.2022A>G, p.Lys674= (NM_001281492.2); c.1506A>G, p.Lys502= (NM_001281493.2, NM_001281494.2).
Identifiers: ClinVar variation 455198 (VCV000455198.23), dbSNP rs201460265, ClinGen allele CA068952.